The following is an entry in ClinVar:

ClinVar aggregate classification (germline): Pathogenic. Review status: criteria provided, multiple submitters, no conflicts (2 of 4 stars). 2 submissions from 2 submitters: Pathogenic (2). Last evaluated 2023-08-14.

Conditions:
Neuropathy, hereditary sensory and autonomic, type 2B (HSAN2B). Also called: RETREG1-Related HSAN2 (HSAN2B). Identifiers: Orphanet 970, MedGen C2751092, MONDO:0013142, OMIM 613115.

gnomAD v4.1: 5 of 1,463,358 alleles (0.00034%); highest among the groups gnomAD compares: Non-Finnish European, 0.00045%; no homozygotes.

Submissions (2):

Labcorp Genetics (formerly Invitae), Labcorp
Classification: Pathogenic. Last evaluated: 2023-08-14. Review status: criteria provided, single submitter. Criteria: Invitae Variant Classification Sherloc (09022015). Collection method: clinical testing. Allele origin: germline.
Comment: For these reasons, this variant has been classified as Pathogenic. This variant has not been reported in the literature in individuals affected with RETREG1-related conditions. This variant is not present in population databases (gnomAD no frequency). This sequence change creates a premature translational stop signal (p.Glu12*) in the RETREG1 gene. It is expected to result in an absent or disrupted protein product. Loss-of-function variants in RETREG1 are known to be pathogenic (PMID: 19838196).

Women's Health and Genetics/Laboratory Corporation of America, LabCorp
Classification: Pathogenic for Neuropathy, hereditary sensory and autonomic, type 2B. Last evaluated: 2023-07-12. Review status: criteria provided, single submitter. Criteria: LabCorp Variant Classification Summary - May 2015. Collection method: clinical testing. Allele origin: germline.
Comment: Variant summary: FAM134B or RETREG1 c.34G>T (p.Glu12X) results in a premature termination codon, predicted to cause a truncation of the encoded protein or absence of the protein due to nonsense mediated decay, which are commonly known mechanisms for disease. The variant was absent in 76794 control chromosomes. To our knowledge, no occurrence of c.34G>T in individuals affected with Neuropathy, Hereditary Sensory And Autonomic, Type 2B and no experimental evidence demonstrating its impact on protein function have been reported. No submitters have cited clinical-significance assessments for this variant to ClinVar after 2014. Based on the evidence outlined above, the variant was classified as pathogenic.

Literature cited by the submitters: PubMed 19838196 (cited by Labcorp Genetics (formerly Invitae), Labcorp).

NM_001034850.3(RETREG1):c.34G>T (p.Glu12Ter)

Genes: RETREG1-AS1 (RETREG1 antisense RNA 1; plus strand), RETREG1 (reticulophagy regulator 1; minus strand), LOC129993734 (ATAC-STARR-seq lymphoblastoid silent region 15947; plus strand). Cytogenetic location: 5p15.1.
Variant type: single nucleotide variant.
Coding change: c.34G>T on transcript NM_001034850.3 (MANE Select); coding-DNA position 34, G replaced by T.
Protein change: p.Glu12Ter; replaces glutamic acid 12 with a stop codon.
Molecular consequence: nonsense.
Genome position (GRCh38, 1-based): chr5:16,616,938, C>A on the plus strand (G>T on the coding strand, the complement: RETREG1 is on the minus strand). VCF-style: chr5-16616938-C-A. GRCh37 (hg19) VCF-style: chr5-16617047-C-A.
Other names: short protein forms E12*.
Identifiers: ClinVar variation 2581477 (VCV002581477.4), dbSNP rs2477809965, ClinGen allele CA359293161.